The following is an entry in ClinVar:

ClinVar aggregate classification (germline): Uncertain significance (1 of 4 stars; one submission).

Submission:

Labcorp Genetics (formerly Invitae), Labcorp
Classification: Uncertain significance. Last evaluated: 2023-05-22. Review status: criteria provided, single submitter. Criteria: Invitae Variant Classification Sherloc (09022015). Collection method: clinical testing. Allele origin: germline.
Comment: In summary, the available evidence is currently insufficient to determine the role of this variant in disease. Therefore, it has been classified as a Variant of Uncertain Significance. Advanced modeling of protein sequence and biophysical properties (such as structural, functional, and spatial information, amino acid conservation, physicochemical variation, residue mobility, and thermodynamic stability) performed at Invitae indicates that this missense variant is not expected to disrupt ALOX12B protein function. ClinVar contains an entry for this variant (Variation ID: 1958059). This variant has not been reported in the literature in individuals affected with ALOX12B-related conditions. This variant is not present in population databases (gnomAD no frequency). This sequence change replaces glutamic acid, which is acidic and polar, with alanine, which is neutral and non-polar, at codon 109 of the ALOX12B protein (p.Glu109Ala).

NM_001139.3(ALOX12B):c.326A>C (p.Glu109Ala)

Gene: ALOX12B (arachidonate 12-lipoxygenase, 12R type; minus strand). Cytogenetic location: 17p13.1.
Variant type: single nucleotide variant.
Coding change: c.326A>C on transcript NM_001139.3 (MANE Select); coding-DNA position 326, A replaced by C.
Protein change: p.Glu109Ala; replaces glutamic acid 109 with alanine.
Molecular consequence: missense variant.
Genome position (GRCh38, 1-based): chr17:8,086,042, T>G on the plus strand (A>C on the coding strand, the complement: ALOX12B is on the minus strand). VCF-style: chr17-8086042-T-G. GRCh37 (hg19) VCF-style: chr17-7989360-T-G.
Other names: short protein forms E109A.
Identifiers: ClinVar variation 1958059 (VCV001958059.5), dbSNP rs2507707021, ClinGen allele CA397998956.